The following is an entry in ClinVar:

NM_005378.6(MYCN):c.477_492dup (p.Ala165fs)

Gene: MYCN (MYCN proto-oncogene, bHLH transcription factor; plus strand). Cytogenetic location: 2p24.3.
Variant type: Duplication.
Coding change: c.477_492dup on transcript NM_005378.6 (MANE Select); coding-DNA positions 477 to 492, 16 bases duplicated (TCGCGGGCACGGCGGG).
Protein change: p.Ala165fs; shifts the reading frame from alanine 165.
Molecular consequence: frameshift variant. On other transcripts: 3 prime UTR variant (1), intron variant (1).
Genome position (GRCh38, 1-based): chr2:15,942,541-15,942,556, TCGCGGGCACGGCGGG duplicated; duplicating any 16 consecutive bases within chr2:15,942,536-15,942,556 gives the same sequence; the c. name uses the placement nearest the transcript's 3' end. VCF-style (leftmost placement, unchanged base first): chr2-15942535-T-TGCGGGTCGCGGGCACG. GRCh37 (hg19) VCF-style: chr2-16082657-T-TGCGGGTCGCGGGCACG.
Other names: c.477_492dup, p.Ala165fs (NM_001293228.2); c.*412_*427dup (NM_001293233.2); c.157+1798_157+1813dup (NM_001293231.2); short protein forms A165fs.
Identifiers: ClinVar variation 817685 (VCV000817685.1), dbSNP rs1572217717, ClinGen allele CA915943697.

ClinVar aggregate classification (germline): Likely pathogenic (1 of 4 stars; one submission).

Submission:

GeneDx
Classification: Likely pathogenic. Last evaluated: 2018-06-08. Review status: criteria provided, single submitter. Criteria: GeneDx Variant Classification (06012015). Collection method: clinical testing. Allele origin: germline. Affected: yes.
Comment: A variant that is likely pathogenic has been identified in the MYCN gene. The c.477_492dup16 variant has not been published as a pathogenic variant, nor has it been reported as a benign variant to our knowledge. The c.477_492dup16 variant in the MYCN gene causes a frameshift starting with codon Alanine 165, changes this amino acid to a Serine residue and creates a premature Stop codon at position 106 of the new reading frame, denoted p.Ala165SerfsX106. This frameshift variant in the C-terminus predicted to result in protein truncation, as the last 300 amino acids are lost and replaced with 105 incorrect amino acids. The c.477_492dup16 variant is not observed in large population cohorts (Lek et al., 2016). Therefore, this variant is likely pathogenic; however, the possibility that it is benign cannot be excluded.